The following is an entry in ClinVar:

ClinVar aggregate classification (germline): Pathogenic (1 of 4 stars; one submission).

Conditions:
Glycogen storage disease IV, classic hepatic. Also called: GSD IV, CLASSIC HEPATIC. Identifiers: MedGen C1856301.
Glycogen storage disease, type IV (GSD4). Also called: AMYLOPECTINOSIS; ANDERSEN DISEASE; BRANCHER DEFICIENCY; CIRRHOSIS, FAMILIAL, WITH DEPOSITION OF ABNORMAL GLYCOGEN; GBE1 DEFICIENCY; GLYCOGEN BRANCHING ENZYME DEFICIENCY. Identifiers: Orphanet 367, MedGen C0017923, MONDO:0009292, OMIM 232500.

Submission:

Labcorp Genetics (formerly Invitae), Labcorp
Classification: Pathogenic for Glycogen storage disease, type IV; Glycogen storage disease IV, classic hepatic. Last evaluated: 2024-01-13. Review status: criteria provided, single submitter. Criteria: Invitae Variant Classification Sherloc (09022015). Collection method: clinical testing. Allele origin: unknown.
Comment: This variant is a gross deletion of the genomic region encompassing exon(s) 13-15 of the GBE1 gene. While this deletion is not anticipated to lead to nonsense mediated decay, it is expected to disrupt the C-terminus of the protein. This variant has not been reported in the literature in individuals affected with GBE1-related conditions. This variant disrupts a region of the GBE1 protein in which other variant(s) (p.His628Arg) have been determined to be pathogenic (PMID: 15452297, 26886200, 27243974, 33332610). This suggests that this is a clinically significant region of the protein, and that variants that disrupt it are likely to be disease-causing. For these reasons, this variant has been classified as Pathogenic.

Literature cited by the submitters: PubMed 15452297; PubMed 26886200; PubMed 27243974; PubMed 33332610.

NC_000003.11:g.(?_81542964)_(81586266_?)del

Gene: GBE1 (1,4-alpha-glucan branching enzyme 1; minus strand). Cytogenetic location: 3p12.2.
Variant type: Deletion.
Identifiers: ClinVar variation 3246827 (VCV003246827.1).